The following is an entry in ClinVar:

NM_018671.5(UNC45A):c.1634G>A (p.Arg545His)

Gene: UNC45A (unc-45 myosin chaperone A; plus strand). Cytogenetic location: 15q26.1.
Variant type: single nucleotide variant.
Coding change: c.1634G>A on transcript NM_018671.5 (MANE Select); coding-DNA position 1634, G replaced by A.
Protein change: p.Arg545His; replaces arginine 545 with histidine.
Molecular consequence: missense variant.
Genome position (GRCh38, 1-based): chr15:90,948,180, G>A. VCF-style: chr15-90948180-G-A. GRCh37 (hg19) VCF-style: chr15-91491410-G-A.
Other names: c.1589G>A, p.Arg530His (NM_001039675.2, NM_001323621.2); c.1634G>A, p.Arg545His (NM_001323619.1); c.1199G>A, p.Arg400His (NM_001323620.2); short protein forms R545H, R530H, R400H.
Identifiers: ClinVar variation 2069451 (VCV002069451.3), dbSNP rs534915586, ClinGen allele CA7743000.

ClinVar aggregate classification (germline): Uncertain significance. Review status: criteria provided, multiple submitters, no conflicts (2 of 4 stars). 2 submissions from 2 submitters: Uncertain significance (2). Last evaluated 2025-07-12.

Conditions:
Inborn genetic diseases. Identifiers: MedGen C0950123, MeSH D030342.

Allele frequency attached by ClinVar (database versions not stated): 1000 Genomes Project 0.00040; TOPMed below 0.00001; gnomAD 0.00002; gnomAD exomes 0.00006; ExAC 0.00010; 1000 Genomes Project 30x 0.00031.
gnomAD v4.1: 88 of 1,614,158 alleles (0.0055%); highest among the groups gnomAD compares: South Asian, 0.091%; no homozygotes.

Submissions (2):

Ambry Genetics
Classification: Uncertain significance for Inborn genetic diseases. Last evaluated: 2025-07-12. Review status: criteria provided, single submitter. Criteria: Ambry Variant Classification Scheme 2023. Collection method: clinical testing. Allele origin: germline.

Labcorp Genetics (formerly Invitae), Labcorp
Classification: Uncertain significance. Last evaluated: 2022-05-03. Review status: criteria provided, single submitter. Criteria: Invitae Variant Classification Sherloc (09022015). Collection method: clinical testing. Allele origin: germline.
Comment: This sequence change replaces arginine, which is basic and polar, with histidine, which is basic and polar, at codon 545 of the UNC45A protein (p.Arg545His). This variant is present in population databases (rs534915586, gnomAD 0.06%). This variant has not been reported in the literature in individuals affected with UNC45A-related conditions. Experimental studies and prediction algorithms are not available or were not evaluated, and the functional significance of this variant is currently unknown. In summary, the available evidence is currently insufficient to determine the role of this variant in disease. Therefore, it has been classified as a Variant of Uncertain Significance.